The following is an entry in ClinVar:

ClinVar aggregate classification (germline): Uncertain significance. Review status: criteria provided, multiple submitters, no conflicts (2 of 4 stars). 4 submissions from 4 submitters: Uncertain significance (4). Last evaluated 2024-07-06.

Conditions:
Hereditary cancer-predisposing syndrome. Also called: Tumor predisposition; Neoplastic Syndromes, Hereditary; Hereditary Cancer Syndrome; Hereditary neoplastic syndrome. Identifiers: Orphanet 140162, MedGen C0027672, MeSH D009386, MONDO:0015356.
Fanconi anemia complementation group J. Also called: BRIP1-Related Fanconi Anemia. Identifiers: Orphanet 84, MedGen C1836860, MONDO:0012187, OMIM 609054.
Familial cancer of breast. Also called: BREAST CANCER, FAMILIAL; hereditary breast carcinoma; Hereditary breast cancer. Identifiers: Orphanet 227535, MedGen C0346153, MONDO:0016419, OMIM 114480. Disease mechanism: loss of function.

Submissions (4):

Ambry Genetics
Classification: Uncertain significance for Hereditary cancer-predisposing syndrome. Last evaluated: 2024-07-06. Review status: criteria provided, single submitter. Criteria: Ambry Variant Classification Scheme 2023. Collection method: clinical testing. Allele origin: germline.
Comment: The p.L263V variant (also known as c.787C>G), located in coding exon 6 of the BRIP1 gene, results from a C to G substitution at nucleotide position 787. The leucine at codon 263 is replaced by valine, an amino acid with highly similar properties. This amino acid position is highly conserved in available vertebrate species. In addition, the in silico prediction for this alteration is inconclusive. Based on the available evidence, the clinical significance of this variant remains unclear.

GeneDx
Classification: Uncertain significance. Last evaluated: 2024-04-30. Review status: criteria provided, single submitter. Criteria: GeneDx Variant Classification Process June 2021. Collection method: clinical testing. Allele origin: germline. Affected: yes.
Comment: Not observed at significant frequency in large population cohorts (gnomAD); In silico analysis indicates that this missense variant does not alter protein structure/function; Has not been previously published as pathogenic or benign to our knowledge

Labcorp Genetics (formerly Invitae), Labcorp
Classification: Uncertain significance for Familial cancer of breast; Fanconi anemia complementation group J. Last evaluated: 2024-01-05. Review status: criteria provided, single submitter. Criteria: Invitae Variant Classification Sherloc (09022015). Collection method: clinical testing. Allele origin: germline.
Comment: This sequence change replaces leucine, which is neutral and non-polar, with valine, which is neutral and non-polar, at codon 263 of the BRIP1 protein (p.Leu263Val). This variant is not present in population databases (gnomAD no frequency). This variant has not been reported in the literature in individuals affected with BRIP1-related conditions. ClinVar contains an entry for this variant (Variation ID: 489842). Advanced modeling of protein sequence and biophysical properties (such as structural, functional, and spatial information, amino acid conservation, physicochemical variation, residue mobility, and thermodynamic stability) has been performed at Invitae for this missense variant, however the output from this modeling did not meet the statistical confidence thresholds required to predict the impact of this variant on BRIP1 protein function. In summary, the available evidence is currently insufficient to determine the role of this variant in disease. Therefore, it has been classified as a Variant of Uncertain Significance.

Color Diagnostics, LLC DBA Color Health
Classification: Uncertain significance for Hereditary cancer-predisposing syndrome. Last evaluated: 2019-03-08. Review status: criteria provided, single submitter. Criteria: ACMG Guidelines, 2015. Collection method: clinical testing. Allele origin: germline.

NM_032043.3(BRIP1):c.787C>G (p.Leu263Val)

Gene: BRIP1 (BRCA1 interacting DNA helicase 1; minus strand). Cytogenetic location: 17q23.2.
Variant type: single nucleotide variant.
Coding change: c.787C>G on transcript NM_032043.3 (MANE Select); coding-DNA position 787, C replaced by G.
Protein change: p.Leu263Val; replaces leucine 263 with valine.
Molecular consequence: missense variant.
Genome position (GRCh38, 1-based): chr17:61,808,598, G>C on the plus strand (C>G on the coding strand, the complement: BRIP1 is on the minus strand). VCF-style: chr17-61808598-G-C. GRCh37 (hg19) VCF-style: chr17-59885959-G-C.
Other names: short protein forms L263V.
Identifiers: ClinVar variation 489842 (VCV000489842.15), dbSNP rs1060501776, ClinGen allele CA400484909.